The following is an entry in ClinVar:

ClinVar aggregate classification (germline): Likely pathogenic (1 of 4 stars; one submission).

Conditions:
Juvenile polyposis syndrome (JPS). Identifiers: Orphanet 2929, MedGen C0345893, MONDO:0017380, OMIM 174900.

Submission:

Servicio Canario de Salud, Hospital Universitario Nuestra Sra. de Candelaria
Classification: Likely pathogenic for Juvenile polyposis syndrome. Last evaluated: 2022-10-29. Review status: criteria provided, single submitter. Criteria: ACMG Guidelines, 2015. Collection method: clinical testing. Allele origin: germline. Inheritance: Autosomal dominant inheritance. Affected: yes. Observed: 1 heterozygote.
Comment: This variant has never been reported in SMAD4 related-disorders. Loss-of-function variants in SMAD4 are known to be pathogenic (PMID: 16152648, 16436638, 22810475). This variant was absent from large population studies (gnomAD no frequency). In summary, the available evidence for c.585C>A (p.Tyr195Ter) SMAD4 variant meets our criteria to be classified as Likely Pathogenic based upon its absence from controls and the clinical correlation in this patient´s phenotype.

NM_005359.6(SMAD4):c.585C>A (p.Tyr195Ter)

Gene: SMAD4 (SMAD family member 4; plus strand). Cytogenetic location: 18q21.2.
Variant type: single nucleotide variant.
Coding change: c.585C>A on transcript NM_005359.6 (MANE Select); coding-DNA position 585, C replaced by A.
Protein change: p.Tyr195Ter; replaces tyrosine 195 with a stop codon.
Molecular consequence: nonsense.
Genome position (GRCh38, 1-based): chr18:51,054,911, C>A. VCF-style: chr18-51054911-C-A. GRCh37 (hg19) VCF-style: chr18-48581281-C-A.
Other names: c.585C>A, p.Tyr195Ter (NM_001407041.1, NM_001407042.1, NM_001407043.1); short protein forms Y195*.
Identifiers: ClinVar variation 1804167 (VCV001804167.2), dbSNP rs1316902116, ClinGen allele CA402461063.